The following is an entry in ClinVar:

NM_001080.3(ALDH5A1):c.559C>T (p.Arg187Trp)

Gene: ALDH5A1 (aldehyde dehydrogenase 5 family member A1; plus strand). Cytogenetic location: 6p22.3.
Variant type: single nucleotide variant.
Coding change: c.559C>T on transcript NM_001080.3 (MANE Select); coding-DNA position 559, C replaced by T.
Protein change: p.Arg187Trp; replaces arginine 187 with tryptophan.
Molecular consequence: missense variant.
Genome position (GRCh38, 1-based): chr6:24,503,383, C>T. VCF-style: chr6-24503383-C-T. GRCh37 (hg19) VCF-style: chr6-24503611-C-T.
Other names: c.559C>T, p.Arg187Trp (NM_001368954.1, NM_170740.1); short protein forms R187W.
Identifiers: ClinVar variation 3109812 (VCV003109812.4), dbSNP rs370988709, ClinGen allele CA3656652.

ClinVar aggregate classification (germline): Uncertain significance. Review status: criteria provided, multiple submitters, no conflicts (2 of 4 stars). 3 submissions from 3 submitters: Uncertain significance (3). Last evaluated 2025-01-30.

Conditions:
Succinate-semialdehyde dehydrogenase deficiency (SSADHD). Also called: 4-HYDROXYBUTYRIC ACIDURIA; GABA METABOLIC DEFECT; SSADH DEFICIENCY; Succinic Semialdehyde Dehydrogenase Deficiency. Identifiers: Orphanet 22, MedGen C0268631, MONDO:0010083, OMIM 271980.
Inborn genetic diseases. Identifiers: MedGen C0950123, MeSH D030342.

Allele frequency attached by ClinVar (database versions not stated): gnomAD exomes below 0.00001; TOPMed below 0.00001; gnomAD 0.00001; ExAC 0.00002; ESP Exome Variant Server 0.00008.
gnomAD v4.1: 6 of 1,613,748 alleles (0.00037%); highest among the groups gnomAD compares: South Asian, 0.0011%; no homozygotes.

Submissions (3):

GeneDx
Classification: Uncertain significance. Last evaluated: 2025-01-30. Review status: criteria provided, single submitter. Criteria: GeneDx Variant Classification Process June 2021. Collection method: clinical testing. Allele origin: germline. Affected: yes.
Comment: Not observed at significant frequency in large population cohorts (gnomAD); In silico analysis supports that this missense variant has a deleterious effect on protein structure/function; Has not been previously published as pathogenic or benign to our knowledge

Ambry Genetics
Classification: Uncertain significance for Inborn genetic diseases. Last evaluated: 2024-01-23. Review status: criteria provided, single submitter. Criteria: Ambry Variant Classification Scheme 2023. Collection method: clinical testing. Allele origin: germline.

Juno Genomics, Hangzhou Juno Genomics, Inc
Classification: Uncertain significance for Succinate-semialdehyde dehydrogenase deficiency. Review status: criteria provided, single submitter. Criteria: ACMG Guidelines, 2015. Collection method: clinical testing. Allele origin: germline.
Comment: Absent from controls (or at extremely low frequency if recessive) in Genome Aggregation Database.